The following is an entry in ClinVar:

ClinVar aggregate classification (germline): Uncertain significance (1 of 4 stars; one submission).

Conditions:
Familial hypocalciuric hypercalcemia (FHH). Also called: Familial benign hypercalcemia. Identifiers: Orphanet 405, MedGen C1809471, MONDO:0018458.
Autosomal dominant hypocalcemia 1 (HYPOC1). Also called: HYPOCALCEMIA, FAMILIAL. Identifiers: MedGen C3715128, MONDO:0011013, OMIM 601198.

Submission:

Labcorp Genetics (formerly Invitae), Labcorp
Classification: Uncertain significance for Familial hypocalciuric hypercalcemia; Autosomal dominant hypocalcemia 1. Last evaluated: 2020-02-14. Review status: criteria provided, single submitter. Criteria: Invitae Variant Classification Sherloc (09022015). Collection method: clinical testing. Allele origin: germline.
Comment: In summary, the available evidence is currently insufficient to determine the role of this variant in disease. Therefore, it has been classified as a Variant of Uncertain Significance. This sequence change replaces serine with threonine at codon 302 of the CASR protein (p.Ser302Thr). The serine residue is highly conserved and there is a small physicochemical difference between serine and threonine. This variant is not present in population databases (ExAC no frequency). This variant has not been reported in the literature in individuals with CASR-related conditions. Algorithms developed to predict the effect of missense changes on protein structure and function are either unavailable or do not agree on the potential impact of this missense change (SIFT: "Deleterious"; PolyPhen-2: "Benign"; Align-GVGD: "Class C55").

NM_000388.4(CASR):c.904T>A (p.Ser302Thr)

Gene: CASR (calcium sensing receptor; plus strand). Cytogenetic location: 3q21.1.
Variant type: single nucleotide variant.
Coding change: c.904T>A on transcript NM_000388.4 (MANE Select); coding-DNA position 904, T replaced by A.
Protein change: p.Ser302Thr; replaces serine 302 with threonine.
Molecular consequence: missense variant.
Genome position (GRCh38, 1-based): chr3:122,261,939, T>A. VCF-style: chr3-122261939-T-A. GRCh37 (hg19) VCF-style: chr3-121980786-T-A.
Other names: c.904T>A, p.Ser302Thr (NM_001178065.2); short protein forms S302T.
Identifiers: ClinVar variation 1039669 (VCV001039669.10), dbSNP rs2074630497, ClinGen allele CA354151603.